The following is an entry in ClinVar:

NM_001943.5(DSG2):c.2956G>A (p.Val986Met)

Genes: DSG2 (desmoglein 2; plus strand), DSG2-AS1 (DSG2 antisense RNA 1; minus strand). Cytogenetic location: 18q12.1.
Variant type: single nucleotide variant.
Coding change: c.2956G>A on transcript NM_001943.5 (MANE Select); coding-DNA position 2956, G replaced by A.
Protein change: p.Val986Met; replaces valine 986 with methionine.
Molecular consequence: missense variant.
Genome position (GRCh38, 1-based): chr18:31,546,342, G>A. VCF-style: chr18-31546342-G-A. GRCh37 (hg19) VCF-style: chr18-29126305-G-A.
Other names: short protein forms V986M.
Identifiers: ClinVar variation 3718546 (VCV003718546.2).

ClinVar aggregate classification (germline): Uncertain significance (1 of 4 stars; one submission).

Conditions:
Arrhythmogenic right ventricular dysplasia 10. Also called: ARRHYTHMOGENIC RIGHT VENTRICULAR DYSPLASIA, FAMILIAL, 10; Arrhythmogenic Right Ventricular Dysplasia/Cardiomyopathy10; Arrhythmogenic right ventricular dysplasia/cardiomyopathy, type 10. Identifiers: MedGen C1857777, MONDO:0012434, OMIM 610193.

Submission:

Labcorp Genetics (formerly Invitae), Labcorp
Classification: Uncertain significance for Arrhythmogenic right ventricular dysplasia 10. Last evaluated: 2024-12-16. Review status: criteria provided, single submitter. Criteria: Invitae Variant Classification Sherloc (09022015). Collection method: clinical testing. Allele origin: germline.
Comment: This sequence change replaces valine, which is neutral and non-polar, with methionine, which is neutral and non-polar, at codon 986 of the DSG2 protein (p.Val986Met). This variant is not present in population databases (gnomAD no frequency). This variant has not been reported in the literature in individuals affected with DSG2-related conditions. Invitae Evidence Modeling of protein sequence and biophysical properties (such as structural, functional, and spatial information, amino acid conservation, physicochemical variation, residue mobility, and thermodynamic stability) indicates that this missense variant is not expected to disrupt DSG2 protein function with a negative predictive value of 95%. In summary, the available evidence is currently insufficient to determine the role of this variant in disease. Therefore, it has been classified as a Variant of Uncertain Significance.